The following is an entry in ClinVar:

ClinVar aggregate classification (germline): Pathogenic. Review status: reviewed by expert panel (3 of 4 stars). 2 submissions from 2 submitters: Pathogenic (1). 1 of the submissions does not count toward it. Last evaluated 2017-12-15.

Conditions:
Familial cancer of breast. Also called: BREAST CANCER, FAMILIAL; Hereditary breast cancer; hereditary breast carcinoma. Identifiers: Orphanet 227535, MedGen C0346153, MONDO:0016419, OMIM 114480. Disease mechanism: loss of function.
Breast-ovarian cancer, familial, susceptibility to, 2 (BROVCA2). Also called: BRCA2 Hereditary Breast and Ovarian Cancer. Identifiers: Orphanet 145, MedGen C2675520, MONDO:0012933, OMIM 612555. Disease mechanism: loss of function.

Submissions (2):

Evidence-based Network for the Interpretation of Germline Mutant Alleles (ENIGMA)
Classification: Pathogenic for Breast-ovarian cancer, familial, susceptibility to, 2. Last evaluated: 2017-12-15. Review status: reviewed by expert panel. Criteria: ENIGMA BRCA1/2 Classification Criteria (2017-06-29). Collection method: curation. Allele origin: germline. Study: ENIGMA.
Comment: Variant allele predicted to encode a truncated non-functional protein.

ClinVar Staff, National Center for Biotechnology Information (NCBI)
No classification provided. Condition: Familial cancer of breast. Review status: no classification provided. Collection method: literature only. Allele origin: germline. Affected: yes. Not counted in ClinVar's aggregate classification.

Literature cited by the submitters: PubMed 21614564 (cited by ClinVar Staff, National Center for Biotechnology Information (NCBI)).

NM_000059.4(BRCA2):c.9356_9357delinsG (p.Met3118_Leu3119insTer)

Gene: BRCA2 (BRCA2 DNA repair associated; plus strand). Cytogenetic location: 13q13.1.
Variant type: Indel.
Coding change: c.9356_9357delinsG on transcript NM_000059.4 (MANE Select); coding-DNA positions 9356 to 9357, TA replaced by G.
Protein change: p.Met3118_Leu3119insTer.
Molecular consequence: nonsense.
Genome position (GRCh38, 1-based): chr13:32,394,788-32,394,789, TA replaced by G. VCF-style: chr13-32394788-TA-G. GRCh37 (hg19) VCF-style: chr13-32968925-TA-G.
Other names: c.9356_9357delTAinsG (NM_000059.3).
Identifiers: ClinVar variation 52820 (VCV000052820.3), dbSNP rs397508048, ClinGen allele CA026113.